The following is an entry in ClinVar:

NM_001367561.1(DOCK7):c.3472-30A>G

Gene: DOCK7 (dedicator of cytokinesis 7; minus strand). Cytogenetic location: 1p31.3.
Variant type: single nucleotide variant.
Coding change: c.3472-30A>G on transcript NM_001367561.1 (MANE Select); 30 bases into the intron before coding-DNA position 3472, A replaced by G.
Molecular consequence: intron variant.
Genome position (GRCh38, 1-based): chr1:62,535,662, T>C on the plus strand (A>G on the coding strand, the complement: DOCK7 is on the minus strand). VCF-style: chr1-62535662-T-C. GRCh37 (hg19) VCF-style: chr1-63001333-T-C.
Other names: c.3379-30A>G (NM_001272001.2, NM_001272000.2, NM_033407.4); c.3472-30A>G (NM_001271999.2, NM_001330614.2).
Identifiers: ClinVar variation 4831332 (VCV004831332.1).
Genomic context (GRCh38, chr1:62,535,662, plus strand): 5'-GGTCTTGTACATTCGTAGAAAATCCAGAACTCTGTTGGAAAGTGAGGCAGAACAAGACTA[T>C]AACAGCAGTGCAACAAAGCATCCTACAGACAGAGCAATATAAGAAATGAAATACTTTTTC-3'

ClinVar aggregate classification (germline): Uncertain significance (1 of 4 stars; one submission).

Conditions:
Inborn genetic diseases. Identifiers: MedGen C0950123, MeSH D030342.

gnomAD v4.1: 129 of 1,604,322 alleles (0.008%); highest among the groups gnomAD compares: South Asian, 0.14%; 3 homozygotes.

Submission:

Ambry Genetics
Classification: Uncertain significance for Inborn genetic diseases. Last evaluated: 2026-01-22. Review status: criteria provided, single submitter. Criteria: Ambry Variant Classification Scheme 2023. Collection method: clinical testing. Allele origin: germline.
Comment: The c.3379-30A>G intronic alteration consists of an A to G substitution 30 nucleotides before exon 28 (coding exon 28) of the DOCK7 gene. Based on data from gnomAD, the G allele has an overall frequency of 0.019% (46/242736) total alleles studied. The highest observed frequency was 0.16% (46/28670) of South Asian alleles. This nucleotide position is not well conserved in available vertebrate species. In silico splice site analysis predicts that this alteration will result in the creation or strengthening of a novel splice acceptor site. Based on insufficient or conflicting evidence, the clinical significance of this alteration remains unclear.